The following is an entry in ClinVar:

NM_014363.6(SACS):c.13271C>T (p.Ala4424Val)

Gene: SACS (sacsin molecular chaperone; minus strand). Cytogenetic location: 13q12.12.
Variant type: single nucleotide variant.
Coding change: c.13271C>T on transcript NM_014363.6 (MANE Select); coding-DNA position 13271, C replaced by T.
Protein change: p.Ala4424Val; replaces alanine 4424 with valine.
Molecular consequence: missense variant.
Genome position (GRCh38, 1-based): chr13:23,330,605, G>A on the plus strand (C>T on the coding strand, the complement: SACS is on the minus strand). VCF-style: chr13-23330605-G-A. GRCh37 (hg19) VCF-style: chr13-23904744-G-A.
Other names: c.12830C>T, p.Ala4277Val (NM_001278055.2); short protein forms A4277V, A4424V.
Identifiers: ClinVar variation 945346 (VCV000945346.7), dbSNP rs1883403045, ClinGen allele CA387505619.
Genomic context (GRCh38, chr13:23,330,605, plus strand): 5'-GGATTGCCAACCGACTTGAAAGTGGGAGGAACAAAGAACCTTTGAGAGTAAGTCTGTCCG[G>A]CTGAAGGGGGGCATTTTTCTTTGTTCTGTTGCTGTCTTTCAGATTTATGGCTCGTTGCTT-3'
Protein context (NP_055178.3, residues 4414-4434): QQNKEKCPPS[Ala4424Val]GQTYSQRFFV

ClinVar aggregate classification (germline): Uncertain significance (1 of 4 stars; one submission).

Conditions:
Spastic paraplegia. Identifiers: MedGen C0037772, HP:0001258.

gnomAD v4.1: 4 of 1,613,718 alleles (0.00025%); highest among the groups gnomAD compares: Admixed American, 0.0067%; no homozygotes.

Submission:

Labcorp Genetics (formerly Invitae), Labcorp
Classification: Uncertain significance for Spastic paraplegia. Last evaluated: 2022-08-22. Review status: criteria provided, single submitter. Criteria: Invitae Variant Classification Sherloc (09022015). Collection method: clinical testing. Allele origin: germline.
Comment: This sequence change replaces alanine, which is neutral and non-polar, with valine, which is neutral and non-polar, at codon 4424 of the SACS protein (p.Ala4424Val). This variant is not present in population databases (gnomAD no frequency). This variant has not been reported in the literature in individuals affected with SACS-related conditions. ClinVar contains an entry for this variant (Variation ID: 945346). Advanced modeling of protein sequence and biophysical properties (such as structural, functional, and spatial information, amino acid conservation, physicochemical variation, residue mobility, and thermodynamic stability) performed at Invitae indicates that this missense variant is not expected to disrupt SACS protein function. In summary, the available evidence is currently insufficient to determine the role of this variant in disease. Therefore, it has been classified as a Variant of Uncertain Significance.